The following is an entry in ClinVar:

ClinVar aggregate classification (germline): Conflicting classifications of pathogenicity. Review status: criteria provided, conflicting classifications (1 of 4 stars). 5 submissions from 5 submitters: Uncertain significance (4); Likely benign (1). Last evaluated 2025-09-20.

Conditions:
Hereditary cancer-predisposing syndrome. Also called: Hereditary Cancer Syndrome; Neoplastic Syndromes, Hereditary; Tumor predisposition; Hereditary neoplastic syndrome. Identifiers: Orphanet 140162, MedGen C0027672, MeSH D009386, MONDO:0015356.
Hereditary breast ovarian cancer syndrome. Also called: Breast and ovarian cancer; Hereditary breast and/or ovarian cancer syndrome; Hereditary breast and ovarian cancer; Hereditary breast and ovarian cancer syndrome (HBOC); BRCA1- and BRCA2-Associated Hereditary Breast and Ovarian Cancer; Hereditary breast and ovarian cancer syndrome. Identifiers: Orphanet 145, MedGen C0677776, MeSH D061325, MONDO:0003582. Disease mechanism: loss of function.

Allele frequency attached by ClinVar (database versions not stated): gnomAD exomes below 0.00001.
gnomAD v4.1: 4 of 1,612,768 alleles (0.00025%); highest among the groups gnomAD compares: Non-Finnish European, 0.00034%; no homozygotes.

Submissions (5):

Labcorp Genetics (formerly Invitae), Labcorp
Classification: Uncertain significance for Hereditary breast ovarian cancer syndrome. Last evaluated: 2025-09-20. Review status: criteria provided, single submitter. Criteria: Invitae Variant Classification Sherloc (09022015). Collection method: clinical testing. Allele origin: germline.
Comment: This sequence change replaces serine, which is neutral and polar, with asparagine, which is neutral and polar, at codon 538 of the BRCA2 protein (p.Ser538Asn). This variant is present in population databases (no rsID available, gnomAD 0.0009%). This missense change has been observed in individual(s) with familial pancreatic cancer (PMID: 25356972). ClinVar contains an entry for this variant (Variation ID: 489744). Invitae Evidence Modeling of protein sequence and biophysical properties (such as structural, functional, and spatial information, amino acid conservation, physicochemical variation, residue mobility, and thermodynamic stability) indicates that this missense variant is not expected to disrupt BRCA2 protein function with a negative predictive value of 95%. In summary, the available evidence is currently insufficient to determine the role of this variant in disease. Therefore, it has been classified as a Variant of Uncertain Significance.

University of Washington Department of Laboratory Medicine, University of Washington
Classification: Likely benign for Hereditary cancer-predisposing syndrome. Last evaluated: 2023-03-23. Review status: criteria provided, single submitter. Criteria: Dines et al. (Genet Med. 2020). Collection method: curation. Allele origin: germline.
Comment: Missense variant in a coldspot region where missense variants are very unlikely to be pathogenic (PMID:31911673).

BRCA2 exon 10 coldspot. Reclassification based on statistical prior probability.

GeneDx
Classification: Uncertain significance. Last evaluated: 2022-03-30. Review status: criteria provided, single submitter. Criteria: GeneDx Variant Classification Process June 2021. Collection method: clinical testing. Allele origin: germline. Affected: yes.
Comment: Observed in an individual with pancreatic cancer (Zhen 2015); Not observed at significant frequency in large population cohorts (gnomAD); In silico analysis supports that this missense variant does not alter protein structure/function; Also known as 1841G>A; This variant is associated with the following publications: (PMID: 25356972)

Color Diagnostics, LLC DBA Color Health
Classification: Uncertain significance for Hereditary cancer-predisposing syndrome. Last evaluated: 2021-07-07. Review status: criteria provided, single submitter. Criteria: ACMG Guidelines, 2015. Collection method: clinical testing. Allele origin: germline.
Comment: This missense variant replaces serine with asparagine at codon 538 of the BRCA2 protein. Computational prediction suggests that this variant may not impact protein structure and function (internally defined REVEL score threshold <= 0.5, PMID: 27666373). To our knowledge, functional studies have not been reported for this variant. This variant has been reported in an individual affected with pancreatic cancer (PMID: 25356972). This variant has been identified in 1/249588 chromosomes in the general population by the Genome Aggregation Database (gnomAD). The available evidence is insufficient to determine the role of this variant in disease conclusively. Therefore, this variant is classified as a Variant of Uncertain Significance.

Ambry Genetics
Classification: Uncertain significance for Hereditary cancer-predisposing syndrome. Last evaluated: 2021-03-30. Review status: criteria provided, single submitter. Criteria: Ambry Variant Classification Scheme 2023. Collection method: clinical testing. Allele origin: germline.
Comment: The p.S538N variant (also known as c.1613G>A), located in coding exon 9 of the BRCA2 gene, results from a G to A substitution at nucleotide position 1613. The serine at codon 538 is replaced by asparagine, an amino acid with highly similar properties. This alteration was identified in an individual diagnosed with pancreatic cancer (Zhen DB et al. Genet Med, 2015 Jul;17:569-77). Of note, this alteration is also designated as 1841G>A in published literature. This amino acid position is not well conserved in available vertebrate species. In addition, this alteration is predicted to be tolerated by in silico analysis. Since supporting evidence is limited at this time, the clinical significance of this alteration remains unclear.

Literature cited by the submitters: PubMed 25356972 (cited by Labcorp Genetics (formerly Invitae), Labcorp and Ambry Genetics).

NM_000059.4(BRCA2):c.1613G>A (p.Ser538Asn)

Gene: BRCA2 (BRCA2 DNA repair associated; plus strand). Cytogenetic location: 13q13.1.
Variant type: single nucleotide variant.
Coding change: c.1613G>A on transcript NM_000059.4 (MANE Select); coding-DNA position 1613, G replaced by A.
Protein change: p.Ser538Asn; replaces serine 538 with asparagine.
Molecular consequence: missense variant.
Genome position (GRCh38, 1-based): chr13:32,333,091, G>A. VCF-style: chr13-32333091-G-A. GRCh37 (hg19) VCF-style: chr13-32907228-G-A.
Other names: short protein forms S538N.
Identifiers: ClinVar variation 489744 (VCV000489744.15), dbSNP rs994146384, ClinGen allele CA247497839.
Genomic context (GRCh38, chr13:32,333,091, plus strand): 5'-CAAGTTTTTCAGGTCATATGACTGATCCAAACTTTAAAAAAGAAACTGAAGCCTCTGAAA[G>A]TGGACTGGAAATACATACTGTTTGCTCACAGAAGGAGGACTCCTTATGTCCAAATTTAAT-3'
Protein context (NP_000050.3, residues 528-548): NFKKETEASE[Ser538Asn]GLEIHTVCSQ